The following is an entry in ClinVar:

ClinVar aggregate classification (germline): Benign/Likely benign. Review status: criteria provided, multiple submitters, no conflicts (2 of 4 stars). 6 submissions from 6 submitters: Benign (3); Likely benign (3). Last evaluated 2026-01-19.

Conditions:
Hereditary cancer-predisposing syndrome. Also called: Hereditary Cancer Syndrome; Neoplastic Syndromes, Hereditary; Tumor predisposition; Hereditary neoplastic syndrome. Identifiers: Orphanet 140162, MedGen C0027672, MeSH D009386, MONDO:0015356.
Hereditary diffuse gastric adenocarcinoma (HDGC). Also called: DIFFUSE GASTRIC AND LOBULAR BREAST CANCER SYNDROME. Identifiers: Orphanet 26106, MedGen C1708349, MONDO:0007648, OMIM 137215.

Allele frequency attached by ClinVar (database versions not stated): gnomAD 0.00001; TOPMed 0.00002; gnomAD exomes 0.00005; ExAC 0.00007.
gnomAD v4.1: 19 of 1,613,996 alleles (0.0012%); highest among the groups gnomAD compares: Admixed American, 0.028%; no homozygotes.

Submissions (6):

Labcorp Genetics (formerly Invitae), Labcorp
Classification: Likely benign for Hereditary diffuse gastric adenocarcinoma. Last evaluated: 2026-01-19. Review status: criteria provided, single submitter. Criteria: Invitae Variant Classification Sherloc (09022015). Collection method: clinical testing. Allele origin: germline.

Myriad Genetics, Inc.
Classification: Benign for Hereditary diffuse gastric adenocarcinoma. Last evaluated: 2024-09-16. Review status: criteria provided, single submitter. Criteria: Myriad Autosomal Dominant, Autosomal Recessive and X-Linked Classification Criteria (2023). Collection method: clinical testing. Allele origin: unknown.
Comment: This variant is considered benign. This variant is a silent/synonymous amino acid change and it is not expected to impact splicing.

Quest Diagnostics Nichols Institute San Juan Capistrano
Classification: Benign. Last evaluated: 2023-08-17. Review status: criteria provided, single submitter. Criteria: Quest Diagnostics criteria. Collection method: clinical testing. Allele origin: unknown.

Women's Health and Genetics/Laboratory Corporation of America, LabCorp
Classification: Benign. Last evaluated: 2023-04-15. Review status: criteria provided, single submitter. Criteria: LabCorp Variant Classification Summary - May 2015. Collection method: clinical testing. Allele origin: germline.

Color Diagnostics, LLC DBA Color Health
Classification: Likely benign for Hereditary cancer-predisposing syndrome. Last evaluated: 2017-03-13. Review status: criteria provided, single submitter. Criteria: ACMG Guidelines, 2015. Collection method: clinical testing. Allele origin: germline.

Ambry Genetics
Classification: Likely benign for Hereditary cancer-predisposing syndrome. Last evaluated: 2014-08-21. Review status: criteria provided, single submitter. Criteria: Ambry Variant Classification Scheme 2023. Collection method: clinical testing. Allele origin: germline.

NM_004360.5(CDH1):c.897C>T (p.Ala299=)

Gene: CDH1 (cadherin 1; plus strand). Cytogenetic location: 16q22.1.
Variant type: single nucleotide variant.
Coding change: c.897C>T on transcript NM_004360.5 (MANE Select); coding-DNA position 897, C replaced by T.
Protein change: p.Ala299=; no amino-acid change (alanine 299 retained).
Molecular consequence: synonymous variant. On other transcripts: 5 prime UTR variant (2).
Genome position (GRCh38, 1-based): chr16:68,811,748, C>T. VCF-style: chr16-68811748-C-T. GRCh37 (hg19) VCF-style: chr16-68845651-C-T.
Other names: c.897C>T (LRG_301t1, NM_004360.4); c.897C>T, p.Ala299= (NM_001317184.2); c.-719C>T (NM_001317185.2); c.-923C>T (NM_001317186.2).
Identifiers: ClinVar variation 185831 (VCV000185831.20), dbSNP rs769799936, ClinGen allele CA193091.
Genomic context (GRCh38, chr16:68,811,748, plus strand): 5'-CTCTGTGATGGAGGTCACAGCCACAGACGCGGACGATGATGTGAACACCTACAATGCCGC[C>T]ATCGCTTACACCATCCTCAGCCAAGATCCTGAGCTCCCTGACAAAAATATGTTCACCATT-3'
Protein context (NP_004351.1, residues 289-309): ADDDVNTYNA[Ala299=]IAYTILSQDP